The following is an entry in ClinVar:

ClinVar aggregate classification (germline): Benign. Review status: criteria provided, multiple submitters, no conflicts (2 of 4 stars). 6 submissions from 6 submitters: Benign (5). 1 of the submissions does not count toward it. Last evaluated 2023-02-17.

Conditions:
Renal tubular acidosis with progressive nerve deafness. Also called: renal tubular acidosis, distal, 2, with progressive sensorineural hearing loss; Distal Renal Tubular Acidosis with Progressive Sensorineural Deafness; RENAL TUBULAR ACIDOSIS, AUTOSOMAL RECESSIVE, WITH PROGRESSIVE NERVE DEAFNESS; RTA WITH PROGRESSIVE NERVE DEAFNESS. Identifiers: MedGen C0403554, MONDO:0009968, OMIM 267300.

Allele frequency attached by ClinVar (database versions not stated): TOPMed 0.01128; ESP Exome Variant Server 0.01337; gnomAD exomes 0.01357 and 0.01710; ExAC 0.01441; gnomAD 0.01715; 1000 Genomes Project 0.00439; 1000 Genomes Project 30x 0.00500.
gnomAD v4.1: 26,840 of 1,607,700 alleles (1.7%); highest among the groups gnomAD compares: Non-Finnish European, 1.9%; 310 homozygotes.

Submissions (6):

Mayo Clinic Laboratories, Mayo Clinic
Classification: Benign. Last evaluated: 2023-02-17. Review status: criteria provided, single submitter. Criteria: ACMG Guidelines, 2015. Collection method: clinical testing. Allele origin: germline. Observed: 11 variant alleles.
Comment: BS1, BS2, BP4

Athena Diagnostics
Classification: Benign. Last evaluated: 2020-08-14. Review status: criteria provided, single submitter. Criteria: Athena Diagnostics Criteria. Collection method: clinical testing. Allele origin: unknown.

Illumina Laboratory Services, Illumina
Classification: Benign for Renal tubular acidosis with progressive nerve deafness. Last evaluated: 2018-01-12. Review status: criteria provided, single submitter. Criteria: ICSL Variant Classification Criteria 13 December 2019. Collection method: clinical testing. Allele origin: germline.
Comment: This variant was observed in the ICSL laboratory as part of a predisposition screen in an ostensibly healthy population. It had not been previously curated by ICSL or reported in the Human Gene Mutation Database (HGMD: prior to June 1st, 2018), and was therefore a candidate for classification through an automated scoring system. Utilizing variant allele frequency, disease prevalence and penetrance estimates, and inheritance mode, an automated score was calculated to assess if this variant is too frequent to cause the disease. Based on the score and internal cut-off values, a variant classified as benign is not then subjected to further curation. The score for this variant resulted in a classification of benign for this disease.

GeneDx
Classification: Benign. Last evaluated: 2017-11-15. Review status: criteria provided, single submitter. Criteria: GeneDx Variant Classification Process June 2021. Collection method: clinical testing. Allele origin: germline. Affected: yes.

Laboratory for Molecular Medicine, Mass General Brigham Personalized Medicine
Classification: Benign. Last evaluated: 2012-04-30. Review status: criteria provided, single submitter. Criteria: LMM Criteria. Collection method: clinical testing. Allele origin: germline. Observed: 30 variant alleles.
Comment: *6C>A in Exon 14 of ATP6V1B1: This variant is not expected to have clinical sign ificance because it has been identified in 1.9% (131/6986) of European American chromosomes from a broad population by the NHLBI Exome Sequencing Project (dbSNP rs45498896).

Natera, Inc.
Classification: Benign for Renal tubular acidosis with progressive nerve deafness. Last evaluated: 2019-11-28. Review status: no assertion criteria provided. Collection method: clinical testing. Allele origin: germline. Not counted in ClinVar's aggregate classification.

NM_001692.4(ATP6V1B1):c.*6C>A

Gene: ATP6V1B1 (ATPase H+ transporting V1 subunit B1; plus strand). Cytogenetic location: 2p13.3.
Variant type: single nucleotide variant.
Coding change: c.*6C>A on transcript NM_001692.4 (MANE Select); 6 bases downstream of the stop codon, C replaced by A.
Molecular consequence: 3 prime UTR variant.
Genome position (GRCh38, 1-based): chr2:70,965,127, C>A. VCF-style: chr2-70965127-C-A. GRCh37 (hg19) VCF-style: chr2-71192257-C-A.
Other names: c.*6C>A.
Identifiers: ClinVar variation 44221 (VCV000044221.15), dbSNP rs45498896, ClinGen allele CA133772.
Genomic context (GRCh38, chr2:70,965,127, plus strand): 5'-GTTCTATTCCCGCGAGGGGGCGCTGCAGGACCTCGCGCCTGACACTGCGCTCTAGCCCCG[C>A]GCGCCGTGGCACCCCAACACCGGCAGGGAACCTACCCTCGGCTCCCGGGTCTCCCCTCCC-3'